The following is an entry in ClinVar:

ClinVar aggregate classification (germline): Conflicting classifications of pathogenicity. Review status: criteria provided, conflicting classifications (1 of 4 stars). 3 submissions from 3 submitters: Uncertain significance (2); Likely benign (1). Last evaluated 2025-12-09.

Allele frequency attached by ClinVar (database versions not stated): gnomAD 0.00005 and 0.00006; TOPMed 0.00005; gnomAD exomes 0.00011 and 0.00014; ExAC 0.00015.
gnomAD v4.1: 201 of 1,608,830 alleles (0.012%); highest among the groups gnomAD compares: Non-Finnish European, 0.016%; no homozygotes.

Submissions (3):

Ambry Genetics
Classification: Uncertain significance. Last evaluated: 2025-12-09. Review status: criteria provided, single submitter. Criteria: Ambry Variant Classification Scheme 2023. Collection method: clinical testing. Allele origin: germline.

Labcorp Genetics (formerly Invitae), Labcorp
Classification: Uncertain significance. Last evaluated: 2025-09-08. Review status: criteria provided, single submitter. Criteria: Invitae Variant Classification Sherloc (09022015). Collection method: clinical testing. Allele origin: germline.
Comment: This sequence change replaces glycine, which is neutral and non-polar, with arginine, which is basic and polar, at codon 285 of the CA4 protein (p.Gly285Arg). This variant is present in population databases (rs769821291, gnomAD 0.02%). This variant has not been reported in the literature in individuals affected with CA4-related conditions. ClinVar contains an entry for this variant (Variation ID: 936765). An algorithm developed to predict the effect of missense changes on protein structure and function outputs the following: PolyPhen-2: "Probably Damaging". The arginine amino acid residue is found in multiple mammalian species, which suggests that this missense change does not adversely affect protein function. In summary, the available evidence is currently insufficient to determine the role of this variant in disease. Therefore, it has been classified as a Variant of Uncertain Significance.

Blueprint Genetics
Classification: Likely benign. Last evaluated: 2024-09-07. Review status: criteria provided, single submitter. Criteria: ACMG Guidelines, 2015. Collection method: clinical testing. Allele origin: germline.

NM_000717.5(CA4):c.853G>A (p.Gly285Arg)

Gene: CA4 (carbonic anhydrase 4; plus strand). Cytogenetic location: 17q23.1.
Variant type: single nucleotide variant.
Coding change: c.853G>A on transcript NM_000717.5 (MANE Select); coding-DNA position 853, G replaced by A.
Protein change: p.Gly285Arg; replaces glycine 285 with arginine.
Molecular consequence: missense variant. On other transcripts: non-coding transcript variant (1).
Genome position (GRCh38, 1-based): chr17:60,159,338, G>A. VCF-style: chr17-60159338-G-A. GRCh37 (hg19) VCF-style: chr17-58236699-G-A.
Other names: c.853G>A (NM_000717.3); short protein forms G285R.
Identifiers: ClinVar variation 936765 (VCV000936765.11), dbSNP rs769821291, ClinGen allele CA8685558.